The following is an entry in ClinVar:

NM_031308.4(EPPK1):c.5299G>A (p.Val1767Met)

Gene: EPPK1 (epiplakin 1; minus strand). Cytogenetic location: 8q24.3.
Variant type: single nucleotide variant.
Coding change: c.5299G>A on transcript NM_031308.4 (MANE Select); coding-DNA position 5299, G replaced by A.
Protein change: p.Val1767Met; replaces valine 1767 with methionine.
Molecular consequence: missense variant.
Genome position (GRCh38, 1-based): chr8:143,867,955, C>T on the plus strand (G>A on the coding strand, the complement: EPPK1 is on the minus strand). VCF-style: chr8-143867955-C-T. GRCh37 (hg19) VCF-style: chr8-144942123-C-T.
Other names: short protein forms V1767M.
Identifiers: ClinVar variation 3040000 (VCV003040000.2), dbSNP rs72499137, ClinGen allele CA4922175.

ClinVar aggregate classification (germline): Likely benign (0 of 4 stars; one submission).

Conditions:
EPPK1-related disorder. Also called: EPPK1-related condition.

Allele frequency attached by ClinVar (database versions not stated): ESP Exome Variant Server 0.00041; gnomAD 0.00255; TOPMed 0.00280; ExAC 0.00523; 1000 Genomes Project 30x 0.01124; 1000 Genomes Project 0.01218.
gnomAD v4.1: 4,266 of 1,613,664 alleles (0.26%); highest among the groups gnomAD compares: East Asian, 8%; 173 homozygotes.

Submission:

PreventionGenetics, part of Exact Sciences
Classification: Likely benign for EPPK1-related condition. Last evaluated: 2021-05-04. Review status: no assertion criteria provided. Collection method: clinical testing. Allele origin: germline.
Comment: This variant is classified as likely benign based on ACMG/AMP sequence variant interpretation guidelines (Richards et al. 2015 PMID: 25741868, with internal and published modifications).